The following is an entry in ClinVar:

ClinVar aggregate classification (germline): Uncertain significance (1 of 4 stars; one submission).

Conditions:
Hereditary sensory and autonomic neuropathy type 7. Also called: HSAN VII; Neuropathy, hereditary sensory and autonomic, type VII. Identifiers: Orphanet 391397, MedGen C3809882, MONDO:0014244, OMIM 615548.
Familial episodic pain syndrome with predominantly lower limb involvement. Also called: Episodic pain syndrome, familial, 3. Identifiers: Orphanet 391384, Orphanet 391392, MedGen C3809899, MONDO:0014247, OMIM 615552.

Submission:

Labcorp Genetics (formerly Invitae), Labcorp
Classification: Uncertain significance for Familial episodic pain syndrome with predominantly lower limb involvement; Hereditary sensory and autonomic neuropathy type 7. Last evaluated: 2022-07-20. Review status: criteria provided, single submitter. Criteria: Invitae Variant Classification Sherloc (09022015). Collection method: clinical testing. Allele origin: germline.
Comment: In summary, the available evidence is currently insufficient to determine the role of this variant in disease. Therefore, it has been classified as a Variant of Uncertain Significance. This variant has not been reported in the literature in individuals affected with SCN11A-related conditions. This variant is not present in population databases (gnomAD no frequency). This sequence change creates a premature translational stop signal (p.Ala26Glnfs*31) in the SCN11A gene. It is expected to result in an absent or disrupted protein product. However, the current clinical and genetic evidence is not sufficient to establish whether loss-of-function variants in SCN11A cause disease.

NM_001349253.2(SCN11A):c.76del (p.Ala26fs)

Gene: SCN11A (sodium voltage-gated channel alpha subunit 11; minus strand). Cytogenetic location: 3p22.2.
Variant type: Deletion.
Coding change: c.76del on transcript NM_001349253.2 (MANE Select); coding-DNA position 76, one base deleted (G; older notation c.76delG).
Protein change: p.Ala26fs; shifts the reading frame from alanine 26.
Molecular consequence: frameshift variant.
Genome position (GRCh38, 1-based): chr3:38,950,287, C deleted on the plus strand (G on the coding strand, the reverse complement: SCN11A is on the minus strand). VCF-style (leftmost placement, unchanged base first): chr3-38950286-GC-G. GRCh37 (hg19) VCF-style: chr3-38991777-GC-G.
Other names: c.76del, p.Ala26fs (NM_014139.3); short protein forms A26fs.
Identifiers: ClinVar variation 1995307 (VCV001995307.4), dbSNP rs2470708951, ClinGen allele CA2580069799.